The following is an entry in ClinVar:

ClinVar aggregate classification (germline): Uncertain significance. Review status: criteria provided, multiple submitters, no conflicts (2 of 4 stars). 2 submissions from 2 submitters: Uncertain significance (2). Last evaluated 2025-07-11.

Conditions:
Inborn genetic diseases. Identifiers: MedGen C0950123, MeSH D030342.
Hereditary lymphedema type I (LMPHM1). Also called: Milroy Disease; LYMPHATIC MALFORMATION 1; Nonne-Milroy disease; Congenital hereditary lymphedema; Early onset lymphedema; Hereditary lymphedema 1. Identifiers: Orphanet 79452, MedGen C1704423, MONDO:0007919, OMIM 153100.

Allele frequency attached by ClinVar (database versions not stated): gnomAD 0.00001; gnomAD exomes 0.00002; TOPMed 0.00002; ExAC 0.00003.
gnomAD v4.1: 40 of 1,613,846 alleles (0.0025%); highest among the groups gnomAD compares: East Asian, 0.0045%; no homozygotes.

Submissions (2):

Clinical Genomics Laboratory, Washington University in St. Louis
Classification: Uncertain significance for Hereditary lymphedema type I. Last evaluated: 2025-07-11. Review status: criteria provided, single submitter. Criteria: ACMG Guidelines, 2015. Collection method: clinical testing. Allele origin: germline.
Comment: A FLT4 c.3566G>A (p.Arg1189His) variant was identified at a near heterozygous allelic fraction of 47.3%, a frequency which may be consistent with germline origin. This variant, to our knowledge, has not been reported in the medical literature but has been reported in the ClinVar database as a germline variant of uncertain significance by one submitter (ClinVar ID: 2520989). It is observed on 40/1,613,846 alleles in the general population (gnomAD v4.1.0). Computational predictors are uncertain as to the impact of this variant on FAT4 function. Due to limited information, and based on ACMG/AMP guidelines for variant interpretation (Richards S et al., PMID: 25741868), the clinical significance of this variant is uncertain at this time.

Ambry Genetics
Classification: Uncertain significance for Inborn genetic diseases. Last evaluated: 2025-05-19. Review status: criteria provided, single submitter. Criteria: Ambry Variant Classification Scheme 2023. Collection method: clinical testing. Allele origin: germline.

NM_182925.5(FLT4):c.3566G>A (p.Arg1189His)

Gene: FLT4 (fms related receptor tyrosine kinase 4; minus strand). Cytogenetic location: 5q35.3.
Variant type: single nucleotide variant.
Coding change: c.3566G>A on transcript NM_182925.5 (MANE Select); coding-DNA position 3566, G replaced by A.
Protein change: p.Arg1189His; replaces arginine 1189 with histidine.
Molecular consequence: missense variant.
Genome position (GRCh38, 1-based): chr5:180,611,451, C>T on the plus strand (G>A on the coding strand, the complement: FLT4 is on the minus strand). VCF-style: chr5-180611451-C-T. GRCh37 (hg19) VCF-style: chr5-180038451-C-T.
Other names: c.3566G>A, p.Arg1189His (NM_001354989.2, NM_002020.5); short protein forms R1189H.
Identifiers: ClinVar variation 2520989 (VCV002520989.4), dbSNP rs370304760, ClinGen allele CA3605768.